The following is an entry in ClinVar:

NM_004423.4(DVL3):c.1859C>T (p.Ala620Val)

Gene: DVL3 (dishevelled segment polarity protein 3; plus strand). Cytogenetic location: 3q27.1.
Variant type: single nucleotide variant.
Coding change: c.1859C>T on transcript NM_004423.4 (MANE Select); coding-DNA position 1859, C replaced by T.
Protein change: p.Ala620Val; replaces alanine 620 with valine.
Molecular consequence: missense variant.
Genome position (GRCh38, 1-based): chr3:184,170,463, C>T. VCF-style: chr3-184170463-C-T. GRCh37 (hg19) VCF-style: chr3-183888251-C-T.
Other names: short protein forms A620V.
Identifiers: ClinVar variation 736680 (VCV000736680.9), dbSNP rs760864867, ClinGen allele CA2727533.

ClinVar aggregate classification (germline): Benign. Review status: criteria provided, single submitter (1 of 4 stars). 2 submissions from 2 submitters: Benign (1). 1 of the submissions does not count toward it. Last evaluated 2025-10-10.

Conditions:
DVL3-related disorder. Also called: DVL3-related condition.

Allele frequency attached by ClinVar (database versions not stated): gnomAD 0.00004; TOPMed 0.00010; gnomAD exomes 0.00035; ExAC 0.00037.
gnomAD v4.1: 78 of 1,584,226 alleles (0.0049%); highest among the groups gnomAD compares: Admixed American, 0.14%; no homozygotes.

Submissions (2):

Labcorp Genetics (formerly Invitae), Labcorp
Classification: Benign. Last evaluated: 2025-10-10. Review status: criteria provided, single submitter. Criteria: Invitae Variant Classification Sherloc (09022015). Collection method: clinical testing. Allele origin: germline.

PreventionGenetics, part of Exact Sciences
Classification: Likely benign for DVL3-related condition. Last evaluated: 2021-01-21. Review status: no assertion criteria provided. Collection method: clinical testing. Allele origin: germline. Not counted in ClinVar's aggregate classification.
Comment: This variant is classified as likely benign based on ACMG/AMP sequence variant interpretation guidelines (Richards et al. 2015 PMID: 25741868, with internal and published modifications).